The following is an entry in ClinVar:

ClinVar aggregate classification (germline): Likely benign (1 of 4 stars; one submission).

Conditions:
Holoprosencephaly sequence (HPE). Also called: Holoprosencephaly. Identifiers: Orphanet 2162, MedGen C0079541, MONDO:0016296, HP:0001360.

Allele frequency attached by ClinVar (database versions not stated): 1000 Genomes Project 30x 0.00016; 1000 Genomes Project 0.00020; gnomAD 0.00024 and 0.00025; gnomAD exomes 0.00029; TOPMed 0.00035; ExAC 0.00064.
gnomAD v4.1: 628 of 1,517,744 alleles (0.041%); highest among the groups gnomAD compares: Non-Finnish European, 0.052%; no homozygotes.

Submission:

Illumina Laboratory Services, Illumina
Classification: Likely benign for Holoprosencephaly sequence. Last evaluated: 2018-01-12. Review status: criteria provided, single submitter. Criteria: ICSL Variant Classification Criteria 13 December 2019. Collection method: clinical testing. Allele origin: germline.
Comment: This variant was observed in the ICSL laboratory as part of a predisposition screen in an ostensibly healthy population. It had not been previously curated by ICSL or reported in the Human Gene Mutation Database (HGMD: prior to June 1st, 2018), and was therefore a candidate for classification through an automated scoring system. Utilizing variant allele frequency, disease prevalence and penetrance estimates, and inheritance mode, an automated score was calculated to assess if this variant is too frequent to cause the disease. Based on the score and internal cut-off values, a variant classified as likely benign is not then subjected to further curation. The score for this variant resulted in a classification of likely benign for this disease.

NM_003923.3(FOXH1):c.*23C>T

Gene: FOXH1 (forkhead box H1; minus strand). Cytogenetic location: 8q24.3.
Variant type: single nucleotide variant.
Coding change: c.*23C>T on transcript NM_003923.3 (MANE Select); 23 bases downstream of the stop codon, C replaced by T.
Molecular consequence: 3 prime UTR variant.
Genome position (GRCh38, 1-based): chr8:144,474,215, G>A on the plus strand (C>T on the coding strand, the complement: FOXH1 is on the minus strand). VCF-style: chr8-144474215-G-A. GRCh37 (hg19) VCF-style: chr8-145699598-G-A.
Identifiers: ClinVar variation 362277 (VCV000362277.5), dbSNP rs541830947, ClinGen allele CA4945350.
Genomic context (GRCh38, chr8:144,474,215, plus strand): 5'-GCAGACAGCCGCCTCGCCTTGGCTCCCTGTCAACAAGGTGGGGGTGGGAGCGGGAGGGAG[G>A]AGTGGCCCCTGTCTTAAGAGCCTCACAGGCTGCACCAGGAGAGCAGCCAGCCTGGGCCAG-3'